The following is an entry in ClinVar:

NM_032620.4(GTPBP3):c.1393C>T (p.Arg465Trp)

Gene: GTPBP3 (GTP binding protein 3, mitochondrial; plus strand). Cytogenetic location: 19p13.11.
Variant type: single nucleotide variant.
Coding change: c.1393C>T on transcript NM_032620.4 (MANE Select); coding-DNA position 1393, C replaced by T.
Protein change: p.Arg465Trp; replaces arginine 465 with tryptophan.
Molecular consequence: missense variant.
Genome position (GRCh38, 1-based): chr19:17,341,617, C>T. VCF-style: chr19-17341617-C-T. GRCh37 (hg19) VCF-style: chr19-17452426-C-T.
Other names: c.1330C>T, p.Arg444Trp (NM_001128855.3); c.1459C>T, p.Arg487Trp (NM_001195422.1); c.1489C>T, p.Arg497Trp (NM_133644.4); short protein forms R487W, R497W, R444W, R465W.
Identifiers: ClinVar variation 1504881 (VCV001504881.5), dbSNP rs568475516, ClinGen allele CA9293727.

ClinVar aggregate classification (germline): Uncertain significance (1 of 4 stars; one submission).

Allele frequency attached by ClinVar (database versions not stated): TOPMed below 0.00001; ExAC 0.00001; gnomAD 0.00001; 1000 Genomes Project 0.00020; 1000 Genomes Project 30x 0.00031.
gnomAD v4.1: 16 of 1,613,706 alleles (0.00099%); highest among the groups gnomAD compares: East Asian, 0.0022%; no homozygotes.

Submission:

Labcorp Genetics (formerly Invitae), Labcorp
Classification: Uncertain significance. Last evaluated: 2022-04-28. Review status: criteria provided, single submitter. Criteria: Invitae Variant Classification Sherloc (09022015). Collection method: clinical testing. Allele origin: germline.
Comment: This sequence change replaces arginine, which is basic and polar, with tryptophan, which is neutral and slightly polar, at codon 497 of the GTPBP3 protein (p.Arg497Trp). This variant is present in population databases (rs568475516, gnomAD 0.007%). This variant has not been reported in the literature in individuals affected with GTPBP3-related conditions. Algorithms developed to predict the effect of missense changes on protein structure and function are either unavailable or do not agree on the potential impact of this missense change (SIFT: "Tolerated"; PolyPhen-2: "Probably Damaging"; Align-GVGD: "Class C0"). In summary, the available evidence is currently insufficient to determine the role of this variant in disease. Therefore, it has been classified as a Variant of Uncertain Significance.